The following is an entry in ClinVar:

ClinVar aggregate classification (germline): Likely benign (1 of 4 stars; one submission).

Allele frequency attached by ClinVar (database versions not stated): gnomAD exomes 0.00001 and 0.00002; ExAC 0.00005; TOPMed 0.00010; gnomAD 0.00011 and 0.00013; ESP Exome Variant Server 0.00015.
gnomAD v4.1: 31 of 1,614,068 alleles (0.0019%); highest among the groups gnomAD compares: African/African-American, 0.033%; no homozygotes.

Submission:

GeneDx
Classification: Likely benign. Last evaluated: 2017-01-17. Review status: criteria provided, single submitter. Criteria: GeneDx Variant Classification (06012015). Collection method: clinical testing. Allele origin: germline. Affected: yes.
Comment: This variant is considered likely benign or benign based on one or more of the following criteria: it is a conservative change, it occurs at a poorly conserved position in the protein, it is predicted to be benign by multiple in silico algorithms, and/or has population frequency not consistent with disease.

NM_000391.4(TPP1):c.-20C>G

Gene: TPP1 (tripeptidyl peptidase 1; minus strand). Cytogenetic location: 11p15.4.
Variant type: single nucleotide variant.
Coding change: c.-20C>G on transcript NM_000391.4 (MANE Select); 20 bases upstream of the start codon, C replaced by G.
Molecular consequence: 5 prime UTR variant.
Genome position (GRCh38, 1-based): chr11:6,619,420, G>C on the plus strand (C>G on the coding strand, the complement: TPP1 is on the minus strand). VCF-style: chr11-6619420-G-C. GRCh37 (hg19) VCF-style: chr11-6640651-G-C.
Identifiers: ClinVar variation 381377 (VCV000381377.1), dbSNP rs368143492, ClinGen allele CA5859114.
Genomic context (GRCh38, chr11:6,619,420, plus strand): 5'-TCCCGAGCCCTCTCAATTTCTCACCAGGCTTGGAGTCCCATTCTGCCCTTCCGCGGATCT[G>C]CTGTCATGTGACGGATCACATGAGCTCTATATTCCACCACCACTACCCCTCTGCCTAGTA-3'